The following is an entry in ClinVar:

NM_016492.5(RANGRF):c.433C>A (p.Pro145Thr)

Genes: RANGRF (RAN guanine nucleotide release factor; plus strand), SLC25A35 (solute carrier family 25 member 35; minus strand). Cytogenetic location: 17p13.1.
Variant type: single nucleotide variant.
Coding change: c.433C>A on transcript NM_016492.5 (MANE Select); coding-DNA position 433, C replaced by A.
Protein change: p.Pro145Thr; replaces proline 145 with threonine.
Molecular consequence: missense variant. On other transcripts: 3 prime UTR variant (4), non-coding transcript variant (2), intron variant (1).
Genome position (GRCh38, 1-based): chr17:8,289,584, C>A. VCF-style: chr17-8289584-C-A. GRCh37 (hg19) VCF-style: chr17-8192902-C-A.
Other names: c.433C>A, p.Pro145Thr (NM_001177801.2); c.*23C>A (NM_001177802.2); c.*32G>T (NM_001320871.2, NM_001320872.2, NM_201520.3); c.351+170C>A (NM_001330127.2); short protein forms P145T.
Identifiers: ClinVar variation 2006920 (VCV002006920.4), dbSNP rs2543870229, ClinGen allele CA397996762.

ClinVar aggregate classification (germline): Uncertain significance (1 of 4 stars; one submission).

Conditions:
Cardiac arrhythmia. Also called: Arrhythmia; Cardiac rhythm disease. Identifiers: MedGen C0003811, MONDO:0007263, HP:0011675.

Allele frequency attached by ClinVar (database versions not stated): gnomAD exomes below 0.00001.
gnomAD v4.1: 2 of 1,612,418 alleles (0.00012%); highest among the groups gnomAD compares: Non-Finnish European, 0.000085%; no homozygotes.

Submission:

Labcorp Genetics (formerly Invitae), Labcorp
Classification: Uncertain significance for Cardiac arrhythmia. Last evaluated: 2022-06-15. Review status: criteria provided, single submitter. Criteria: Invitae Variant Classification Sherloc (09022015). Collection method: clinical testing. Allele origin: germline.
Comment: In summary, the available evidence is currently insufficient to determine the role of this variant in disease. Therefore, it has been classified as a Variant of Uncertain Significance. Algorithms developed to predict the effect of missense changes on protein structure and function are either unavailable or do not agree on the potential impact of this missense change (SIFT: "Deleterious"; PolyPhen-2: "Probably Damaging"; Align-GVGD: "Class C0"). This variant has not been reported in the literature in individuals affected with RANGRF-related conditions. This variant is not present in population databases (gnomAD no frequency). This sequence change replaces proline, which is neutral and non-polar, with threonine, which is neutral and polar, at codon 145 of the RANGRF protein (p.Pro145Thr).